The following is an entry in ClinVar:

NM_015215.4(CAMTA1):c.3379G>A (p.Val1127Ile)

Gene: CAMTA1 (calmodulin binding transcription activator 1; plus strand). Cytogenetic location: 1p36.23.
Variant type: single nucleotide variant.
Coding change: c.3379G>A on transcript NM_015215.4 (MANE Select); coding-DNA position 3379, G replaced by A.
Protein change: p.Val1127Ile; replaces valine 1127 with isoleucine.
Molecular consequence: missense variant.
Genome position (GRCh38, 1-based): chr1:7,737,291, G>A. VCF-style: chr1-7737291-G-A. GRCh37 (hg19) VCF-style: chr1-7797351-G-A.
Other names: c.3289G>A, p.Val1097Ile (NM_001349608.2, NM_001349612.2); c.3379G>A, p.Val1127Ile (NM_001349609.2, NM_001349610.2, NM_001410737.1); c.508G>A, p.Val170Ile (NM_001349613.1); c.451G>A, p.Val151Ile (NM_001349614.1, NM_001349615.2, NM_001349616.2 and 10 more transcripts); c.3307G>A, p.Val1103Ile (NM_001410738.1); short protein forms V1103I, V1127I, V151I, V1097I, V170I.
Identifiers: ClinVar variation 2908337 (VCV002908337.3), dbSNP rs774037742, ClinGen allele CA566941.

ClinVar aggregate classification (germline): Uncertain significance (1 of 4 stars; one submission).

Allele frequency attached by ClinVar (database versions not stated): ExAC 0.00002; TOPMed 0.00002; gnomAD 0.00003.
gnomAD v4.1: 30 of 1,613,970 alleles (0.0019%); highest among the groups gnomAD compares: Middle Eastern, 0.016%; no homozygotes.

Submission:

Labcorp Genetics (formerly Invitae), Labcorp
Classification: Uncertain significance. Last evaluated: 2023-04-09. Review status: criteria provided, single submitter. Criteria: Invitae Variant Classification Sherloc (09022015). Collection method: clinical testing. Allele origin: germline.
Comment: This sequence change replaces valine, which is neutral and non-polar, with isoleucine, which is neutral and non-polar, at codon 1127 of the CAMTA1 protein (p.Val1127Ile). This variant is present in population databases (rs774037742, gnomAD 0.01%). This variant has not been reported in the literature in individuals affected with CAMTA1-related conditions. An algorithm developed to predict the effect of missense changes on protein structure and function (PolyPhen-2) suggests that this variant is likely to be tolerated. In summary, the available evidence is currently insufficient to determine the role of this variant in disease. Therefore, it has been classified as a Variant of Uncertain Significance.